The following is an entry in ClinVar:

NM_001365276.2(TNXB):c.6838del (p.Thr2280fs)

Gene: TNXB (tenascin XB; minus strand). Cytogenetic location: 6p21.33.
Variant type: Deletion.
Coding change: c.6838del on transcript NM_001365276.2 (MANE Select); coding-DNA position 6838, one base deleted (A; older notation c.6838delA).
Protein change: p.Thr2280fs; shifts the reading frame from threonine 2280.
Molecular consequence: frameshift variant.
Genome position (GRCh38, 1-based): chr6:32,064,824, T deleted on the plus strand (A on the coding strand, the reverse complement: TNXB is on the minus strand); the first of 2 consecutive T bases (chr6:32,064,824-32,064,825); deleting either gives the same sequence. VCF-style (leftmost placement, unchanged base first): chr6-32064823-GT-G. GRCh37 (hg19) VCF-style: chr6-32032600-GT-G.
Other names: c.6838del, p.Thr2280fs (NM_019105.8); short protein forms T2280fs.
Identifiers: ClinVar variation 2575030 (VCV002575030.1), dbSNP rs1778232291, ClinGen allele CA1619409724.
Genomic context (GRCh38, chr6:32,064,823, plus strand): 5'-ATAAAAGGGAAACTGAGTCTAGTTCAGGGCAGGGCCCAGTGCCCTACTGCACACTCACCA[GT>G]TAAACCAACAGCAGACACGGGGCCCACGCGCTGGCCACCGTGGAAGCCGTACAGGTTCAT-3'

ClinVar aggregate classification (germline): Likely pathogenic (1 of 4 stars; one submission).

Submission:

GeneDx
Classification: Likely pathogenic. Last evaluated: 2023-08-01. Review status: criteria provided, single submitter. Criteria: GeneDx Variant Classification Process June 2021. Collection method: clinical testing. Allele origin: germline. Affected: yes.
Comment: Frameshift variant predicted to result in protein truncation or nonsense mediated decay in a gene for which loss of function is a known mechanism of disease; Not observed at significant frequency in large population cohorts (gnomAD); Has not been previously published as pathogenic or benign to our knowledge